The following is an entry in ClinVar:

ClinVar aggregate classification (germline): Uncertain significance (1 of 4 stars; one submission).

Conditions:
Aortic valve disease 2 (AOVD2). Identifiers: MedGen C3542024, MONDO:0013902, OMIM 614823.

Submission:

Labcorp Genetics (formerly Invitae), Labcorp
Classification: Uncertain significance for Aortic valve disease 2. Last evaluated: 2025-05-01. Review status: criteria provided, single submitter. Criteria: Invitae Variant Classification Sherloc (09022015). Collection method: clinical testing. Allele origin: germline.
Comment: This sequence change replaces glycine, which is neutral and non-polar, with valine, which is neutral and non-polar, at codon 9 of the TBX5 protein (p.Gly9Val). This variant is not present in population databases (gnomAD no frequency). This variant has not been reported in the literature in individuals affected with TBX5-related conditions. Invitae Evidence Modeling of protein sequence and biophysical properties (such as structural, functional, and spatial information, amino acid conservation, physicochemical variation, residue mobility, and thermodynamic stability) indicates that this missense variant is not expected to disrupt TBX5 protein function with a negative predictive value of 95%. In summary, the available evidence is currently insufficient to determine the role of this variant in disease. Therefore, it has been classified as a Variant of Uncertain Significance.

NM_181486.4(TBX5):c.26G>T (p.Gly9Val)

Gene: TBX5 (T-box transcription factor 5; minus strand). Cytogenetic location: 12q24.21.
Variant type: single nucleotide variant.
Coding change: c.26G>T on transcript NM_181486.4 (MANE Select); coding-DNA position 26, G replaced by T.
Protein change: p.Gly9Val; replaces glycine 9 with valine.
Molecular consequence: missense variant. On other transcripts: intron variant (1).
Genome position (GRCh38, 1-based): chr12:114,403,873, C>A on the plus strand (G>T on the coding strand, the complement: TBX5 is on the minus strand). VCF-style: chr12-114403873-C-A. GRCh37 (hg19) VCF-style: chr12-114841678-C-A.
Other names: c.26G>T, p.Gly9Val (NM_000192.3); c.-3-1953G>T (NM_080717.4); short protein forms G9V.
Identifiers: ClinVar variation 4803099 (VCV004803099.1).